The following is an entry in ClinVar:

ClinVar aggregate classification (germline): Uncertain significance (1 of 4 stars; one submission).

Allele frequency attached by ClinVar (database versions not stated): gnomAD 0.00001; TOPMed 0.00001.
gnomAD v4.1: 43 of 1,613,836 alleles (0.0027%); highest among the groups gnomAD compares: Non-Finnish European, 0.0035%; no homozygotes.

Submission:

Ambry Genetics
Classification: Uncertain significance. Last evaluated: 2023-11-22. Review status: criteria provided, single submitter. Criteria: Ambry Variant Classification Scheme 2023. Collection method: clinical testing. Allele origin: germline.
Comment: The p.R2302K variant (also known as c.6905G>A), located in coding exon 24 of the POLQ gene, results from a G to A substitution at nucleotide position 6905. The arginine at codon 2302 is replaced by lysine, an amino acid with highly similar properties. This amino acid position is conserved. In addition, this alteration is predicted to be tolerated by in silico analysis. Since supporting evidence is limited at this time, the clinical significance of this alteration remains unclear.

NM_199420.4(POLQ):c.6905G>A (p.Arg2302Lys)

Gene: POLQ (DNA polymerase theta; minus strand). Cytogenetic location: 3q13.33.
Variant type: single nucleotide variant.
Coding change: c.6905G>A on transcript NM_199420.4 (MANE Select); coding-DNA position 6905, G replaced by A.
Protein change: p.Arg2302Lys; replaces arginine 2302 with lysine.
Molecular consequence: missense variant.
Genome position (GRCh38, 1-based): chr3:121,467,581, C>T on the plus strand (G>A on the coding strand, the complement: POLQ is on the minus strand). VCF-style: chr3-121467581-C-T. GRCh37 (hg19) VCF-style: chr3-121186428-C-T.
Other names: short protein forms R2302K.
Identifiers: ClinVar variation 1756086 (VCV001756086.2), dbSNP rs756115703, ClinGen allele CA81858297.
Genomic context (GRCh38, chr3:121,467,581, plus strand): 5'-GGGAAAGGCACAAAGGCATGTCGCATGCTAATTGAAAATGGCATTCCTCTGTCTGCAGCT[C>T]TCTCCTCCATCTGTGCCTGGCATCTAGGATTCACGCTGAAACCCTTCTTATATTTTCCTC-3'
Protein context (NP_955452.3, residues 2292-2312): NPRCQAQMEE[Arg2302Lys]AADRGMPFSI